The following is an entry in ClinVar:

NM_000718.4(CACNA1B):c.1004_1014dup (p.Leu339fs)

Gene: CACNA1B (calcium voltage-gated channel subunit alpha1 B; plus strand). Cytogenetic location: 9q34.3.
Variant type: Duplication.
Coding change: c.1004_1014dup on transcript NM_000718.4 (MANE Select); coding-DNA positions 1004 to 1014, 11 bases duplicated (ACTTCATCCCT).
Protein change: p.Leu339fs; shifts the reading frame from leucine 339.
Molecular consequence: frameshift variant.
Genome position (GRCh38, 1-based): chr9:137,952,311-137,952,321, ACTTCATCCCT duplicated; duplicating any 11 consecutive bases within chr9:137,952,309-137,952,321 gives the same sequence; the c. name uses the placement nearest the transcript's 3' end. VCF-style (leftmost placement, unchanged base first): chr9-137952308-T-TCTACTTCATCC. GRCh37 (hg19) VCF-style: chr9-140846760-T-TCTACTTCATCC.
Other names: c.1004_1014dup, p.Leu339fs (NM_001243812.2); short protein forms L339fs.
Identifiers: ClinVar variation 3649449 (VCV003649449.2).

ClinVar aggregate classification (germline): Pathogenic (1 of 4 stars; one submission).

Submission:

Labcorp Genetics (formerly Invitae), Labcorp
Classification: Pathogenic. Last evaluated: 2024-04-10. Review status: criteria provided, single submitter. Criteria: Invitae Variant Classification Sherloc (09022015). Collection method: clinical testing. Allele origin: germline.
Comment: This sequence change creates a premature translational stop signal (p.Leu339Thrfs*39) in the CACNA1B gene. It is expected to result in an absent or disrupted protein product. Loss-of-function variants in CACNA1B are known to be pathogenic (PMID: 30982612). This variant is not present in population databases (gnomAD no frequency). This variant has not been reported in the literature in individuals affected with CACNA1B-related conditions. For these reasons, this variant has been classified as Pathogenic.

Literature cited by the submitters: PubMed 30982612.